The following is an entry in ClinVar:

ClinVar aggregate classification (germline): Uncertain significance (1 of 4 stars; one submission).

Conditions:
CNGA3-related disorder. Also called: CNGA3-related condition.

gnomAD v4.1: 2 of 1,613,896 alleles (0.00012%); highest among the groups gnomAD compares: Non-Finnish European, 0.00017%; no homozygotes.

Submission:

PreventionGenetics, part of Exact Sciences
Classification: Uncertain significance for CNGA3-related condition. Last evaluated: 2025-02-22. Review status: criteria provided, single submitter. Criteria: ACMG Guidelines, 2015. Collection method: clinical testing. Allele origin: germline.
Comment: The CNGA3 c.68G>C variant is predicted to result in the amino acid substitution p.Arg23Pro. To our knowledge, this variant has not been reported in the literature or in a large population database (gnomAD), indicating this variant is rare. At this time, the clinical significance of this variant is uncertain due to the absence of conclusive functional and genetic evidence.

NM_001298.3(CNGA3):c.68G>C (p.Arg23Pro)

Gene: CNGA3 (cyclic nucleotide gated channel subunit alpha 3; plus strand). Cytogenetic location: 2q11.2.
Variant type: single nucleotide variant.
Coding change: c.68G>C on transcript NM_001298.3 (MANE Select); coding-DNA position 68, G replaced by C.
Protein change: p.Arg23Pro; replaces arginine 23 with proline.
Molecular consequence: missense variant.
Genome position (GRCh38, 1-based): chr2:98,370,043, G>C. VCF-style: chr2-98370043-G-C. GRCh37 (hg19) VCF-style: chr2-98986506-G-C.
Other names: c.68G>C, p.Arg23Pro (NM_001079878.2); short protein forms R23P.
Identifiers: ClinVar variation 4997500 (VCV004997500.1).